The following is an entry in ClinVar:

NM_001846.4(COL4A2):c.3554G>C (p.Gly1185Ala)

Gene: COL4A2 (collagen type IV alpha 2 chain; plus strand). Cytogenetic location: 13q34.
Variant type: single nucleotide variant.
Coding change: c.3554G>C on transcript NM_001846.4 (MANE Select); coding-DNA position 3554, G replaced by C.
Protein change: p.Gly1185Ala; replaces glycine 1185 with alanine.
Molecular consequence: missense variant.
Genome position (GRCh38, 1-based): chr13:110,492,169, G>C. VCF-style: chr13-110492169-G-C. GRCh37 (hg19) VCF-style: chr13-111144516-G-C.
Other names: short protein forms G1185A.
Identifiers: ClinVar variation 3365180 (VCV003365180.2).
Genomic context (GRCh38, chr13:110,492,169, plus strand): 5'-AGCTGGGGCGGATTGGACTGCCTGGTGGCAAAGGAGATGATGGCTGGCCGGGAGCTCCGG[G>C]CTTACCAGGTAAGGTCACGTAAAACACGTGGTCACCCAGACCCAGAGTCGTGGGCTGTGC-3'
Protein context (NP_001837.2, residues 1175-1195): KGDDGWPGAP[Gly1185Ala]LPGFPGLRGI

ClinVar aggregate classification (germline): Likely pathogenic (1 of 4 stars; one submission).

gnomAD v4.1: 2 of 1,552,062 alleles (0.00013%); highest among the groups gnomAD compares: African/African-American, 0.0014%; no homozygotes.

Submission:

GeneDx
Classification: Likely pathogenic. Last evaluated: 2026-04-17. Review status: criteria provided, single submitter. Criteria: GeneDx Variant Classification Process June 2021. Collection method: clinical testing. Allele origin: germline.
Comment: Affects a glycine residue in a Gly-X-Y motif in the triple helical region of the COL4A2 gene, where the majority of pathogenic missense variants occur, and is predicted to disrupt normal protein folding and function (HGMD; PMID: 22522439, 23225343); Not observed at significant frequency in large population cohorts (gnomAD); In silico analysis supports that this missense variant has a deleterious effect on protein structure/function; Has not been previously published as pathogenic or benign to our knowledge; This variant is associated with the following publications: (PMID: 22522439, 23225343)